The following is an entry in ClinVar:

NM_021267.5(CERS1):c.182T>C (p.Leu61Pro)

Genes: CERS1 (ceramide synthase 1; minus strand), GDF1 (growth differentiation factor 1; minus strand). Cytogenetic location: 19p13.11.
Variant type: single nucleotide variant.
Coding change: c.182T>C on transcript NM_021267.5 (MANE Select); coding-DNA position 182, T replaced by C.
Protein change: p.Leu61Pro; replaces leucine 61 with proline.
Molecular consequence: missense variant. On other transcripts: 5 prime UTR variant (4), intron variant (3).
Genome position (GRCh38, 1-based): chr19:18,895,891, A>G on the plus strand (T>C on the coding strand, the complement: CERS1 is on the minus strand). VCF-style: chr19-18895891-A-G. GRCh37 (hg19) VCF-style: chr19-19006700-A-G.
Other names: c.182T>C, p.Leu61Pro (NM_001387439.1, NM_001387440.1, NM_001387441.1 and 1 more transcripts); c.-347T>C (NM_001387444.1); c.-294T>C (NM_001387445.1); c.-721T>C (NM_001387438.1); c.-1141T>C (NM_001492.6); c.-46+835T>C (NM_001387443.1); c.-46+670T>C (NM_001387442.1, NM_001290265.2); short protein forms L61P.
Identifiers: ClinVar variation 1392387 (VCV001392387.8), dbSNP rs2146084156, ClinGen allele CA404868392.
Genomic context (GRCh38, chr19:18,895,891, plus strand): 5'-AGGCGCGCAGTGGCCGCGGAGCGCAGGGCGGTCCAGCCCAGCGCGCCGAGCGCCAGCAGC[A>G]GCAGCTCGGGCGGCGCCAGGTGCGCGTGCTCAGCCAGGCCGCGACGCGCCAGCCCCCAGC-3'
Protein context (NP_067090.1, residues 51-71): EHAHLAPPEL[Leu61Pro]LLALGALGWT

ClinVar aggregate classification (germline): Uncertain significance (1 of 4 stars; one submission).

Conditions:
Progressive myoclonic epilepsy type 8. Identifiers: Orphanet 424027, MedGen C5190825, MONDO:0014545, OMIM 616230.

gnomAD v4.1: 1 of 1,271,124 alleles (0.000079%); no homozygotes.

Submission:

Labcorp Genetics (formerly Invitae), Labcorp
Classification: Uncertain significance for Progressive myoclonic epilepsy type 8. Last evaluated: 2021-05-10. Review status: criteria provided, single submitter. Criteria: Invitae Variant Classification Sherloc (09022015). Collection method: clinical testing. Allele origin: germline.
Comment: This sequence change replaces leucine with proline at codon 61 of the CERS1 protein (p.Leu61Pro). The leucine residue is moderately conserved and there is a moderate physicochemical difference between leucine and proline. The frequency data for this variant in the population databases is considered unreliable, as metrics indicate insufficient coverage at this position in the ExAC database. This variant has not been reported in the literature in individuals with CERS1-related conditions. Algorithms developed to predict the effect of missense changes on protein structure and function are either unavailable or do not agree on the potential impact of this missense change (SIFT: "Deleterious"; PolyPhen-2: "Possibly Damaging"; Align-GVGD: "Class C0"). In summary, the available evidence is currently insufficient to determine the role of this variant in disease. Therefore, it has been classified as a Variant of Uncertain Significance.